The following is an entry in ClinVar:

NM_001605.3(AARS1):c.2003C>G (p.Thr668Ser)

Gene: AARS1 (alanyl-tRNA synthetase 1; minus strand). Cytogenetic location: 16q22.1.
Variant type: single nucleotide variant.
Coding change: c.2003C>G on transcript NM_001605.3 (MANE Select); coding-DNA position 2003, C replaced by G.
Protein change: p.Thr668Ser; replaces threonine 668 with serine.
Molecular consequence: missense variant.
Genome position (GRCh38, 1-based): chr16:70,258,207, G>C on the plus strand (C>G on the coding strand, the complement: AARS1 is on the minus strand). VCF-style: chr16-70258207-G-C. GRCh37 (hg19) VCF-style: chr16-70292110-G-C.
Other names: short protein forms T668S.
Identifiers: ClinVar variation 5002427 (VCV005002427.1).
Genomic context (GRCh38, chr16:70,258,207, plus strand): 5'-TCATCAAACACAGCCCGTAGGCCCTGGATGGCTTTCGCTGCTGCCAGGGGGCAATCCTGG[G>C]TATAGACGGCCTGCCAGACCAAGAAGACAGAAAAGAGCTGGAAGAGATCCCTGGAGGTGC-3'
Protein context (NP_001596.2, residues 658-678): EMIEAAKAVY[Thr668Ser]QDCPLAAAKA

ClinVar aggregate classification (germline): Uncertain significance (1 of 4 stars; one submission).

Conditions:
AARS1-related disorder. Also called: AARS1-related condition.

gnomAD v4.1: 3 of 1,593,402 alleles (0.00019%); highest among the groups gnomAD compares: Non-Finnish European, 0.00026%; no homozygotes.

Submission:

PreventionGenetics, part of Exact Sciences
Classification: Uncertain significance for AARS1-related condition. Last evaluated: 2025-06-04. Review status: criteria provided, single submitter. Criteria: ACMG Guidelines, 2015. Collection method: clinical testing. Allele origin: germline.
Comment: The AARS1 c.2003C>G variant is predicted to result in the amino acid substitution p.Thr668Ser. To our knowledge, this variant has not been reported in the literature or in a large population database (gnomAD), indicating this variant is rare. At this time, the clinical significance of this variant is uncertain due to the absence of conclusive functional and genetic evidence.